The following is an entry in ClinVar:

NM_014053.4(FLVCR1):c.1593+9T>C

Gene: FLVCR1 (FLVCR choline and heme transporter 1; plus strand). Cytogenetic location: 1q32.3.
Variant type: single nucleotide variant.
Coding change: c.1593+9T>C on transcript NM_014053.4 (MANE Select); 9 bases into the intron after coding-DNA position 1593, T replaced by C.
Molecular consequence: intron variant.
Genome position (GRCh38, 1-based): chr1:212,895,062, T>C. VCF-style: chr1-212895062-T-C. GRCh37 (hg19) VCF-style: chr1-213068404-T-C.
Other names: p.?.
Identifiers: ClinVar variation 295325 (VCV000295325.23), dbSNP rs17019870, ClinGen allele CA1386195.

ClinVar aggregate classification (germline): Benign. Review status: criteria provided, multiple submitters, no conflicts (2 of 4 stars). 11 submissions from 11 submitters: Benign (8). 3 of the submissions do not count toward it. Last evaluated 2026-02-04.

Conditions:
Posterior column ataxia-retinitis pigmentosa syndrome (RETSNS). Also called: RETINOPATHY-SENSORY NEUROPATHY SYNDROME. Identifiers: Orphanet 88628, MedGen C1836916, MONDO:0012177, OMIM 609033.

Allele frequency attached by ClinVar (database versions not stated): ESP Exome Variant Server 0.19728; gnomAD 0.21623 and 0.22137; gnomAD exomes 0.22056 and 0.27407; TOPMed 0.24669; ExAC 0.25971; 1000 Genomes Project 0.28435; 1000 Genomes Project 30x 0.28592.
gnomAD v4.1: 331,559 of 1,496,418 alleles (22%); highest among the groups gnomAD compares: Admixed American, 51%; 42,203 homozygotes.

Submissions (11):

Labcorp Genetics (formerly Invitae), Labcorp
Classification: Benign. Last evaluated: 2026-02-04. Review status: criteria provided, single submitter. Criteria: Invitae Variant Classification Sherloc (09022015). Collection method: clinical testing. Allele origin: germline.

Blueprint Genetics
Classification: Benign. Last evaluated: 2024-11-26. Review status: criteria provided, single submitter. Criteria: ACMG Guidelines, 2015. Collection method: clinical testing. Allele origin: germline.

Genome-Nilou Lab
Classification: Benign for Posterior column ataxia-retinitis pigmentosa syndrome. Last evaluated: 2021-08-10. Review status: criteria provided, single submitter. Criteria: ACMG Guidelines, 2015. Collection method: clinical testing. Allele origin: germline. Affected: no.

Athena Diagnostics
Classification: Benign. Last evaluated: 2019-07-15. Review status: criteria provided, single submitter. Criteria: Athena Diagnostics Criteria. Collection method: clinical testing. Allele origin: germline.

Illumina Laboratory Services, Illumina
Classification: Benign for Posterior column ataxia-retinitis pigmentosa syndrome. Last evaluated: 2018-01-13. Review status: criteria provided, single submitter. Criteria: ICSL Variant Classification Criteria 13 December 2019. Collection method: clinical testing. Allele origin: germline.
Comment: This variant was observed in the ICSL laboratory as part of a predisposition screen in an ostensibly healthy population. It had not been previously curated by ICSL or reported in the Human Gene Mutation Database (HGMD: prior to June 1st, 2018), and was therefore a candidate for classification through an automated scoring system. Utilizing variant allele frequency, disease prevalence and penetrance estimates, and inheritance mode, an automated score was calculated to assess if this variant is too frequent to cause the disease. Based on the score and internal cut-off values, a variant classified as benign is not then subjected to further curation. The score for this variant resulted in a classification of benign for this disease.

Mayo Clinic Laboratories, Mayo Clinic
Classification: Benign. Last evaluated: 2017-10-04. Review status: criteria provided, single submitter. Criteria: ACMG Guidelines, 2015. Collection method: clinical testing. Allele origin: germline. Observed: 688 variant alleles.

Clinical Genetics DNA and cytogenetics Diagnostics Lab, Erasmus MC, Erasmus Medical Center
Classification: Benign for Posterior column ataxia-retinitis pigmentosa syndrome. Last evaluated: 2015-09-21. Review status: criteria provided, single submitter. Criteria: ACGS Guidelines, 2013. Collection method: clinical testing. Allele origin: germline. Affected: yes. Study: VKGL Data-share Consensus.

Breakthrough Genomics
Classification: Benign. Review status: criteria provided, single submitter. Criteria: ACMG Guidelines, 2015. Collection method: not provided. Allele origin: germline. Inheritance: Autosomal recessive inheritance. Affected: yes.

Clinical Genetics, Academic Medical Center
Classification: Benign. Review status: no assertion criteria provided. Collection method: clinical testing. Allele origin: germline. Affected: yes. Study: VKGL Data-share Consensus. Not counted in ClinVar's aggregate classification.

Diagnostic Laboratory, Department of Genetics, University Medical Center Groningen
Classification: Benign for Posterior column ataxia-retinitis pigmentosa syndrome. Review status: no assertion criteria provided. Collection method: clinical testing. Allele origin: germline. Affected: yes. Study: VKGL Data-share Consensus. Not counted in ClinVar's aggregate classification.

Joint Genome Diagnostic Labs from Nijmegen and Maastricht, Radboudumc and MUMC+
Classification: Benign. Review status: no assertion criteria provided. Collection method: clinical testing. Allele origin: germline. Affected: yes. Study: VKGL Data-share Consensus. Not counted in ClinVar's aggregate classification.